The following is an entry in ClinVar:

NM_020843.4(SCAPER):c.3874C>T (p.Arg1292Cys)

Gene: SCAPER (S-phase cyclin A associated protein in the ER; minus strand). Cytogenetic location: 15q24.3.
Variant type: single nucleotide variant.
Coding change: c.3874C>T on transcript NM_020843.4 (MANE Select); coding-DNA position 3874, C replaced by T.
Protein change: p.Arg1292Cys; replaces arginine 1292 with cysteine.
Molecular consequence: missense variant. On other transcripts: non-coding transcript variant (1).
Genome position (GRCh38, 1-based): chr15:76,354,122, G>A on the plus strand (C>T on the coding strand, the complement: SCAPER is on the minus strand). VCF-style: chr15-76354122-G-A. GRCh37 (hg19) VCF-style: chr15-76646463-G-A.
Other names: c.3136C>T, p.Arg1046Cys (NM_001145923.2); c.3892C>T, p.Arg1298Cys (NM_001353009.2); c.3472C>T, p.Arg1158Cys (NM_001353010.2, NM_001353012.2); c.3490C>T, p.Arg1164Cys (NM_001353011.2); short protein forms R1046C, R1158C, R1164C, R1292C, R1298C.
Identifiers: ClinVar variation 3358430 (VCV003358430.2).

ClinVar aggregate classification (germline): Uncertain significance. Review status: criteria provided, single submitter (1 of 4 stars). 2 submissions from 2 submitters: Uncertain significance (1). 1 of the submissions does not count toward it. Last evaluated 2020-03-25.

Conditions:
SCAPER-related disorder. Also called: SCAPER-related condition.

gnomAD v4.1: 22 of 1,606,072 alleles (0.0014%); highest among the groups gnomAD compares: South Asian, 0.011%; no homozygotes.

Submissions (2):

Blueprint Genetics
Classification: Uncertain significance. Last evaluated: 2020-03-25. Review status: criteria provided, single submitter. Criteria: ACMG Guidelines, 2015. Collection method: clinical testing. Allele origin: germline.

PreventionGenetics, part of Exact Sciences
Classification: Uncertain significance for SCAPER-related condition. Last evaluated: 2024-09-07. Review status: no assertion criteria provided. Collection method: clinical testing. Allele origin: germline. Not counted in ClinVar's aggregate classification.
Comment: The SCAPER c.3892C>T variant is predicted to result in the amino acid substitution p.Arg1298Cys. To our knowledge, this variant has not been reported in the literature. This variant is reported in 0.017% of alleles in individuals of South Asian descent in gnomAD. At this time, the clinical significance of this variant is uncertain due to the absence of conclusive functional and genetic evidence.